The following is an entry in ClinVar:

ClinVar aggregate classification (germline): Uncertain significance. Review status: criteria provided, multiple submitters, no conflicts (2 of 4 stars). 3 submissions from 3 submitters: Uncertain significance (2). 1 of the submissions does not count toward it. Last evaluated 2022-09-10.

Conditions:
Benign concentric annular macular dystrophy. Identifiers: Orphanet 251287, MedGen C5561925, MONDO:0007934, OMIM 153870.

Submissions (3):

Labcorp Genetics (formerly Invitae), Labcorp
Classification: Uncertain significance. Last evaluated: 2022-09-10. Review status: criteria provided, single submitter. Criteria: Invitae Variant Classification Sherloc (09022015). Collection method: clinical testing. Allele origin: germline.
Comment: In summary, the available evidence is currently insufficient to determine the role of this variant in disease. Therefore, it has been classified as a Variant of Uncertain Significance. Algorithms developed to predict the effect of missense changes on protein structure and function (SIFT, PolyPhen-2, Align-GVGD) all suggest that this variant is likely to be disruptive. ClinVar contains an entry for this variant (Variation ID: 1043806). This missense change has been observed in individuals with clinical features of autosomal dominant retinitis pigmentosa (PMID: 32817297; Invitae). This variant is not present in population databases (gnomAD no frequency). This sequence change replaces leucine, which is neutral and non-polar, with proline, which is neutral and non-polar, at codon 613 of the IMPG1 protein (p.Leu613Pro).

SIB Swiss Institute of Bioinformatics
Classification: Uncertain significance for Benign concentric annular macular dystrophy. Last evaluated: 2022-03-18. Review status: criteria provided, single submitter. Criteria: ACMG Guidelines, 2015. Collection method: curation. Allele origin: unknown.
Comment: This variant is interpreted as a variant of uncertain significance for Retinitis pigmentosa 91, autosomal dominant. The following ACMG Tag(s) were applied: Absent from controls (or at extremely low frequency if recessive) in Exome Sequencing Project, 1000 Genomes Project, or Exome Aggregation Consortium (PM2); Multiple lines of computational evidence support a deleterious effect on the gene or gene product (PP3).

OMIM
Classification: Pathogenic for RETINITIS PIGMENTOSA 91. Last evaluated: 2021-09-10. Review status: no assertion criteria provided. Collection method: literature only. Allele origin: germline. Not counted in ClinVar's aggregate classification.

Literature cited by the submitters: PubMed 32817297 (cited by 3 submitters).

NM_001563.4(IMPG1):c.1838T>C (p.Leu613Pro)

Gene: IMPG1 (interphotoreceptor matrix proteoglycan 1; minus strand). Cytogenetic location: 6q14.1.
Variant type: single nucleotide variant.
Coding change: c.1838T>C on transcript NM_001563.4 (MANE Select); coding-DNA position 1838, T replaced by C.
Protein change: p.Leu613Pro; replaces leucine 613 with proline.
Molecular consequence: missense variant.
Genome position (GRCh38, 1-based): chr6:75,947,520, A>G on the plus strand (T>C on the coding strand, the complement: IMPG1 is on the minus strand). VCF-style: chr6-75947520-A-G. GRCh37 (hg19) VCF-style: chr6-76657237-A-G.
Other names: c.1604T>C, p.Leu535Pro (NM_001282368.2); short protein forms L613P, L535P.
Identifiers: ClinVar variation 1043806 (VCV001043806.22), dbSNP rs1781948884, ClinGen allele CA364775810.